The following is an entry in ClinVar:

ClinVar aggregate classification (germline): Uncertain significance (1 of 4 stars; one submission).

Allele frequency attached by ClinVar (database versions not stated): gnomAD exomes 0.00002 and 0.00005; ExAC 0.00003; gnomAD 0.00003 and 0.00004; TOPMed 0.00003.

Submission:

Labcorp Genetics (formerly Invitae), Labcorp
Classification: Uncertain significance. Last evaluated: 2025-03-25. Review status: criteria provided, single submitter. Criteria: Invitae Variant Classification Sherloc (09022015). Collection method: clinical testing. Allele origin: germline.
Comment: This sequence change replaces alanine, which is neutral and non-polar, with threonine, which is neutral and polar, at codon 529 of the LRRC8A protein (p.Ala529Thr). This variant is present in population databases (rs377359713, gnomAD 0.01%). This variant has not been reported in the literature in individuals affected with LRRC8A-related conditions. ClinVar contains an entry for this variant (Variation ID: 1514324). An algorithm developed to predict the effect of missense changes on protein structure and function (PolyPhen-2) suggests that this variant is likely to be disruptive. In summary, the available evidence is currently insufficient to determine the role of this variant in disease. Therefore, it has been classified as a Variant of Uncertain Significance.

NM_019594.4(LRRC8A):c.1585G>A (p.Ala529Thr)

Gene: LRRC8A (leucine rich repeat containing 8 VRAC subunit A; plus strand). Cytogenetic location: 9q34.11.
Variant type: single nucleotide variant.
Coding change: c.1585G>A on transcript NM_019594.4 (MANE Select); coding-DNA position 1585, G replaced by A.
Protein change: p.Ala529Thr; replaces alanine 529 with threonine.
Molecular consequence: missense variant.
Genome position (GRCh38, 1-based): chr9:128,908,749, G>A. VCF-style: chr9-128908749-G-A. GRCh37 (hg19) VCF-style: chr9-131671028-G-A.
Other names: c.1585G>A, p.Ala529Thr (NM_001127244.2, NM_001127245.2); short protein forms A529T.
Identifiers: ClinVar variation 1514324 (VCV001514324.8), dbSNP rs377359713, ClinGen allele CA5270915.
Genomic context (GRCh38, chr9:128,908,749, plus strand): 5'-CCGCTGTGGATCTATAGCCTGAAGACACTGGAGGAGCTGCACCTGACGGGCAACCTGAGC[G>A]CGGAGAACAACCGCTACATCGTCATCGACGGGCTGCGGGAGCTCAAACGCCTCAAGGTGC-3'
Protein context (NP_062540.2, residues 519-539): EELHLTGNLS[Ala529Thr]ENNRYIVIDG